The following is an entry in ClinVar:

ClinVar aggregate classification (germline): Uncertain significance (1 of 4 stars; one submission).

Allele frequency attached by ClinVar (database versions not stated): gnomAD exomes below 0.00001.
gnomAD v4.1: 5 of 1,588,700 alleles (0.00031%); highest among the groups gnomAD compares: African/African-American, 0.0027%; no homozygotes.

Submission:

Labcorp Genetics (formerly Invitae), Labcorp
Classification: Uncertain significance. Last evaluated: 2023-11-27. Review status: criteria provided, single submitter. Criteria: Invitae Variant Classification Sherloc (09022015). Collection method: clinical testing. Allele origin: germline.
Comment: This sequence change replaces glycine, which is neutral and non-polar, with aspartic acid, which is acidic and polar, at codon 28 of the GPR179 protein (p.Gly28Asp). This variant is present in population databases (no rsID available, gnomAD 0.01%). This variant has not been reported in the literature in individuals affected with GPR179-related conditions. ClinVar contains an entry for this variant (Variation ID: 1502517). Algorithms developed to predict the effect of missense changes on protein structure and function output the following: SIFT: "Not Available"; PolyPhen-2: "Benign"; Align-GVGD: "Not Available". The aspartic acid amino acid residue is found in multiple mammalian species, which suggests that this missense change does not adversely affect protein function. In summary, the available evidence is currently insufficient to determine the role of this variant in disease. Therefore, it has been classified as a Variant of Uncertain Significance.

NM_001004334.4(GPR179):c.83G>A (p.Gly28Asp)

Gene: GPR179 (G protein-coupled receptor 179; minus strand). Cytogenetic location: 17q12.
Variant type: single nucleotide variant.
Coding change: c.83G>A on transcript NM_001004334.4 (MANE Select); coding-DNA position 83, G replaced by A.
Protein change: p.Gly28Asp; replaces glycine 28 with aspartic acid.
Molecular consequence: missense variant.
Genome position (GRCh38, 1-based): chr17:38,343,707, C>T on the plus strand (G>A on the coding strand, the complement: GPR179 is on the minus strand). VCF-style: chr17-38343707-C-T. GRCh37 (hg19) VCF-style: chr17-36499590-C-T.
Other names: short protein forms G28D.
Identifiers: ClinVar variation 1502517 (VCV001502517.6), dbSNP rs867589986, ClinGen allele CA290111950.
Genomic context (GRCh38, chr17:38,343,707, plus strand): 5'-GGTACAGATCCTGGCTTGACTTGGGAAGACAGAGGGGGCAGAGAGCGGATGGGCCGTGGA[C>T]CCCCCAGAGCCCAGGCACAGACAAAACAGCAGCCCAGCAGCCCCCACATAGGAGGGGGCA-3'
Protein context (NP_001004334.3, residues 18-38): CCFVCAWALG[Gly28Asp]PRPIRSLPPL